The following is an entry in ClinVar:

NM_001291867.2(NHS):c.2234C>T (p.Ala745Val)

Gene: NHS (NHS actin remodeling regulator; plus strand). Cytogenetic location: Xp22.13.
Variant type: single nucleotide variant.
Coding change: c.2234C>T on transcript NM_001291867.2 (MANE Select); coding-DNA position 2234, C replaced by T.
Protein change: p.Ala745Val; replaces alanine 745 with valine.
Molecular consequence: missense variant.
Genome position (GRCh38, 1-based): chrX:17,726,340, C>T. VCF-style: chrX-17726340-C-T. GRCh37 (hg19) VCF-style: chrX-17744460-C-T.
Other names: c.1703C>T, p.Ala568Val (NM_001136024.4); c.1640C>T, p.Ala547Val (NM_001291868.2); c.2171C>T, p.Ala724Val (NM_198270.4); short protein forms A724V, A568V, A745V, A547V.
Identifiers: ClinVar variation 198290 (VCV000198290.6), dbSNP rs139037690, ClinGen allele CA246845.

ClinVar aggregate classification (germline): Uncertain significance. Review status: criteria provided, multiple submitters, no conflicts (2 of 4 stars). 2 submissions from 2 submitters: Uncertain significance (2). Last evaluated 2025-10-09.

Conditions:
Nance-Horan syndrome (NHS). Identifiers: Orphanet 627, MedGen C0796085, MONDO:0010545, OMIM 302350.

Allele frequency attached by ClinVar (database versions not stated): gnomAD 0.00002; gnomAD exomes 0.00002; TOPMed 0.00002; ESP Exome Variant Server 0.00009.
gnomAD v4.1: 26 of 1,210,692 alleles (0.0021%); highest among the groups gnomAD compares: Non-Finnish European, 0.0029%; no homozygotes.

Submissions (2):

Labcorp Genetics (formerly Invitae), Labcorp
Classification: Uncertain significance for Nance-Horan syndrome. Last evaluated: 2025-10-09. Review status: criteria provided, single submitter. Criteria: Invitae Variant Classification Sherloc (09022015). Collection method: clinical testing. Allele origin: germline.
Comment: This sequence change replaces alanine, which is neutral and non-polar, with valine, which is neutral and non-polar, at codon 724 of the NHS protein (p.Ala724Val). This variant is present in population databases (rs139037690, gnomAD 0.003%). This variant has not been reported in the literature in individuals affected with NHS-related conditions. ClinVar contains an entry for this variant (Variation ID: 198290). Invitae Evidence Modeling of protein sequence and biophysical properties (such as structural, functional, and spatial information, amino acid conservation, physicochemical variation, residue mobility, and thermodynamic stability) indicates that this missense variant is not expected to disrupt NHS protein function with a negative predictive value of 80%. In summary, the available evidence is currently insufficient to determine the role of this variant in disease. Therefore, it has been classified as a Variant of Uncertain Significance.

Eurofins Ntd Llc (ga)
Classification: Uncertain significance. Last evaluated: 2015-02-10. Review status: criteria provided, single submitter. Criteria: EGL Classification Definitions 2015. Collection method: clinical testing. Allele origin: germline. Observed: 1 variant allele, 1 hemizygote.